The following is an entry in ClinVar:

NM_004415.4(DSP):c.7603G>A (p.Asp2535Asn)

Gene: DSP (desmoplakin; plus strand). Cytogenetic location: 6p24.3.
Variant type: single nucleotide variant.
Coding change: c.7603G>A on transcript NM_004415.4 (MANE Select); coding-DNA position 7603, G replaced by A.
Protein change: p.Asp2535Asn; replaces aspartic acid 2535 with asparagine.
Molecular consequence: missense variant.
Genome position (GRCh38, 1-based): chr6:7,584,865, G>A. VCF-style: chr6-7584865-G-A. GRCh37 (hg19) VCF-style: chr6-7585098-G-A.
Other names: c.5806G>A, p.Asp1936Asn (NM_001008844.3); c.6274G>A, p.Asp2092Asn (NM_001319034.2); short protein forms D2092N, D2535N, D1936N.
Identifiers: ClinVar variation 4843721 (VCV004843721.1).

ClinVar aggregate classification (germline): Uncertain significance (1 of 4 stars; one submission).

Conditions:
Cardiovascular phenotype. Identifiers: MedGen CN230736.

Submission:

Ambry Genetics
Classification: Uncertain significance for Cardiovascular phenotype. Last evaluated: 2025-12-16. Review status: criteria provided, single submitter. Criteria: Ambry Variant Classification Scheme 2023. Collection method: clinical testing. Allele origin: germline.
Comment: The p.D2535N variant (also known as c.7603G>A), located in coding exon 24 of the DSP gene, results from a G to A substitution at nucleotide position 7603. The aspartic acid at codon 2535 is replaced by asparagine, an amino acid with highly similar properties. This amino acid position is conserved. In addition, this alteration is predicted to be tolerated by in silico analysis. Based on the available evidence, the clinical significance of this variant remains unclear.